The following is an entry in ClinVar:

NM_014314.4(RIGI):c.430T>C (p.Ser144Pro)

Gene: RIGI (RNA sensor RIG-I; minus strand). Cytogenetic location: 9p21.1.
Variant type: single nucleotide variant.
Coding change: c.430T>C on transcript NM_014314.4 (MANE Select); coding-DNA position 430, T replaced by C.
Protein change: p.Ser144Pro; replaces serine 144 with proline.
Molecular consequence: missense variant. On other transcripts: 5 prime UTR variant (2), intron variant (2).
Genome position (GRCh38, 1-based): chr9:32,492,532, A>G on the plus strand (T>C on the coding strand, the complement: RIGI is on the minus strand). VCF-style: chr9-32492532-A-G. GRCh37 (hg19) VCF-style: chr9-32492530-A-G.
Other names: c.430T>C, p.Ser144Pro (NM_001385907.1, NM_001385909.1); c.-12T>C (NM_001385910.1, NM_001385914.1); c.-38-1112T>C (NM_001385912.1); c.424-9T>C (NM_001385913.1); short protein forms S144P.
Identifiers: ClinVar variation 2987958 (VCV002987958.3), dbSNP rs2489339104, ClinGen allele CA373163923.

ClinVar aggregate classification (germline): Uncertain significance (1 of 4 stars; one submission).

Submission:

Labcorp Genetics (formerly Invitae), Labcorp
Classification: Uncertain significance. Last evaluated: 2024-02-05. Review status: criteria provided, single submitter. Criteria: Invitae Variant Classification Sherloc (09022015). Collection method: clinical testing. Allele origin: germline.
Comment: This sequence change replaces serine, which is neutral and polar, with proline, which is neutral and non-polar, at codon 144 of the DDX58 protein (p.Ser144Pro). This variant is not present in population databases (gnomAD no frequency). This variant has not been reported in the literature in individuals affected with DDX58-related conditions. An algorithm developed to predict the effect of missense changes on protein structure and function (PolyPhen-2) suggests that this variant is likely to be tolerated. In summary, the available evidence is currently insufficient to determine the role of this variant in disease. Therefore, it has been classified as a Variant of Uncertain Significance.